The following is an entry in ClinVar:

NC_000009.11:g.(?_108536126)_(108536361_?)dup

Gene: TMEM38B (transmembrane protein 38B; plus strand). Cytogenetic location: 9q31.2.
Variant type: Duplication.
Identifiers: ClinVar variation 2426439 (VCV002426439.3).

ClinVar aggregate classification (germline): Uncertain significance (1 of 4 stars; one submission).

Submission:

Labcorp Genetics (formerly Invitae), Labcorp
Classification: Uncertain significance. Last evaluated: 2022-02-28. Review status: criteria provided, single submitter. Criteria: Invitae Variant Classification Sherloc (09022015). Collection method: clinical testing. Allele origin: germline.
Comment: This variant results in a copy number gain of the genomic region encompassing exon(s) 6 of the TMEM38B gene. This region includes the termination codon of the gene. This copy number gain extends beyond the assayed region for this gene and therefore may encompass additional genes. As the precise location of this event is unknown, it may be in tandem or it may be located elsewhere in the genome. This variant has not been reported in the literature in individuals affected with TMEM38B-related conditions. In summary, the available evidence is currently insufficient to determine the role of this variant in disease. Therefore, it has been classified as a Variant of Uncertain Significance.